The following is an entry in ClinVar:

ClinVar aggregate classification (germline): Uncertain significance. Review status: criteria provided, multiple submitters, no conflicts (2 of 4 stars). 2 submissions from 2 submitters: Uncertain significance (2). Last evaluated 2024-12-18.

Conditions:
Hereditary cancer-predisposing syndrome. Also called: Tumor predisposition; Hereditary neoplastic syndrome; Neoplastic Syndromes, Hereditary; Hereditary Cancer Syndrome. Identifiers: Orphanet 140162, MedGen C0027672, MeSH D009386, MONDO:0015356.
Gastrointestinal stromal tumor. Also called: Gastrointestinal stroma tumor; Gastrointestinal stromal tumor, somatic. Identifiers: Orphanet 44890, MedGen C0238198, MeSH D046152, MONDO:0011719, OMIM 606764, HP:0100723.

Allele frequency attached by ClinVar (database versions not stated): gnomAD exomes below 0.00001; TOPMed below 0.00001.

Submissions (2):

Labcorp Genetics (formerly Invitae), Labcorp
Classification: Uncertain significance for Gastrointestinal stromal tumor. Last evaluated: 2024-12-18. Review status: criteria provided, single submitter. Criteria: Invitae Variant Classification Sherloc (09022015). Collection method: clinical testing. Allele origin: germline.
Comment: This sequence change replaces asparagine, which is neutral and polar, with histidine, which is basic and polar, at codon 938 of the KIT protein (p.Asn938His). This variant is not present in population databases (gnomAD no frequency). This variant has not been reported in the literature in individuals affected with KIT-related conditions. ClinVar contains an entry for this variant (Variation ID: 458932). An algorithm developed to predict the effect of missense changes on protein structure and function (PolyPhen-2) suggests that this variant is likely to be disruptive. In summary, the available evidence is currently insufficient to determine the role of this variant in disease. Therefore, it has been classified as a Variant of Uncertain Significance.

Ambry Genetics
Classification: Uncertain significance for Hereditary cancer-predisposing syndrome. Last evaluated: 2024-01-07. Review status: criteria provided, single submitter. Criteria: Ambry Variant Classification Scheme 2023. Collection method: clinical testing. Allele origin: germline.
Comment: The p.N938H variant (also known as c.2812A>C), located in coding exon 21 of the KIT gene, results from an A to C substitution at nucleotide position 2812. The asparagine at codon 938 is replaced by histidine, an amino acid with similar properties. This amino acid position is conserved. In addition, this alteration is predicted to be tolerated by in silico analysis. Since supporting evidence is limited at this time, the clinical significance of this alteration remains unclear.

NM_000222.3(KIT):c.2812A>C (p.Asn938His)

Gene: KIT (KIT proto-oncogene, receptor tyrosine kinase; plus strand). Cytogenetic location: 4q12.
Variant type: single nucleotide variant.
Coding change: c.2812A>C on transcript NM_000222.3 (MANE Select); coding-DNA position 2812, A replaced by C.
Protein change: p.Asn938His; replaces asparagine 938 with histidine.
Molecular consequence: missense variant.
Genome position (GRCh38, 1-based): chr4:54,738,438, A>C. VCF-style: chr4-54738438-A-C. GRCh37 (hg19) VCF-style: chr4-55604604-A-C.
Other names: c.2800A>C, p.Asn934His (NM_001093772.2, NM_001385292.1); c.2815A>C, p.Asn939His (NM_001385284.1); c.2809A>C, p.Asn937His (NM_001385285.1); c.2797A>C, p.Asn933His (NM_001385286.1); c.2803A>C, p.Asn935His (NM_001385288.1); c.2812A>C, p.Asn938His (NM_001385290.1); short protein forms N938H, N934H, N933H, N935H, N937H, N939H.
Identifiers: ClinVar variation 458932 (VCV000458932.11), dbSNP rs1339197346, ClinGen allele CA356915696.